The following is an entry in ClinVar:

ClinVar aggregate classification (germline): Uncertain significance. Review status: criteria provided, multiple submitters, no conflicts (2 of 4 stars). 2 submissions from 2 submitters: Uncertain significance (2). Last evaluated 2025-11-20.

Conditions:
Inborn genetic diseases. Identifiers: MedGen C0950123, MeSH D030342.
Amyotrophic lateral sclerosis type 8 (ALS8). Identifiers: Orphanet 803, MedGen C1837728, MONDO:0012077, OMIM 608627.
Adult-onset proximal spinal muscular atrophy, autosomal dominant. Also called: Spinal muscular atrophy, late-onset, finkel type; FINKEL LATE-ADULT TYPE SMA. Identifiers: Orphanet 209335, MedGen C1854058, MONDO:0008453, OMIM 182980.

Allele frequency attached by ClinVar (database versions not stated): gnomAD 0.00001; ExAC 0.00002.
gnomAD v4.1: 2 of 1,596,996 alleles (0.00013%); highest among the groups gnomAD compares: Non-Finnish European, 0.00017%; no homozygotes.

Submissions (3):

Ambry Genetics
Classification: Uncertain significance for Inborn genetic diseases. Last evaluated: 2025-11-20. Review status: criteria provided, single submitter. Criteria: Ambry Variant Classification Scheme 2023. Collection method: clinical testing. Allele origin: germline.

Labcorp Genetics (formerly Invitae), Labcorp
Classification: Uncertain significance for Adult-onset proximal spinal muscular atrophy, autosomal dominant; Amyotrophic lateral sclerosis type 8. Last evaluated: 2019-04-24. Review status: criteria provided, single submitter. Criteria: Invitae Variant Classification Sherloc (09022015). Collection method: clinical testing. Allele origin: germline.
Comment: This sequence change replaces glutamic acid with glycine at codon 5 of the VAPB protein (p.Glu5Gly). The glutamic acid residue is highly conserved and there is a moderate physicochemical difference between glutamic acid and glycine. The frequency data for this variant in the population databases is considered unreliable, as metrics indicate poor data quality at this position in the ExAC database. This variant has not been reported in the literature in individuals with VAPB-related conditions. Algorithms developed to predict the effect of missense changes on protein structure and function are either unavailable or do not agree on the potential impact of this missense change (SIFT: "Deleterious"; PolyPhen-2: "Benign"; Align-GVGD: "Class C0"). Algorithms developed to predict the effect of sequence changes on RNA splicing suggest that this variant may create or strengthen a splice site, but this prediction has not been confirmed by published transcriptional studies. In summary, the available evidence is currently insufficient to determine the role of this variant in disease. Therefore, it has been classified as a Variant of Uncertain Significance.

Dr. Peter K. Rogan Lab, Western University
No classification provided (evidence only). Condition: Nonpapillary renal cell carcinoma. Review status: no classification provided. Collection method: in vitro. Allele origin: not applicable. Functional consequence: retained intron. Not counted in ClinVar's aggregate classification.

NM_004738.5(VAPB):c.14A>G (p.Glu5Gly)

Gene: VAPB (VAMP associated protein B and C; plus strand). Cytogenetic location: 20q13.32.
Variant type: single nucleotide variant.
Coding change: c.14A>G on transcript NM_004738.5 (MANE Select); coding-DNA position 14, A replaced by G.
Protein change: p.Glu5Gly; replaces glutamic acid 5 with glycine.
Molecular consequence: missense variant. On other transcripts: non-coding transcript variant (1).
Genome position (GRCh38, 1-based): chr20:58,389,473, A>G. VCF-style: chr20-58389473-A-G. GRCh37 (hg19) VCF-style: chr20-56964529-A-G.
Other names: c.14A>G, p.Glu5Gly (NM_001195677.2); short protein forms E5G.
Identifiers: ClinVar variation 834206 (VCV000834206.12), dbSNP rs748371538, ClinGen allele CA9924137.